The following is an entry in ClinVar:

NM_018685.5(ANLN):c.1101A>G (p.Gly367=)

Gene: ANLN (anillin, actin binding protein; plus strand). Cytogenetic location: 7p14.2.
Variant type: single nucleotide variant.
Coding change: c.1101A>G on transcript NM_018685.5 (MANE Select); coding-DNA position 1101, A replaced by G.
Protein change: p.Gly367=; no amino-acid change (glycine 367 retained).
Molecular consequence: synonymous variant.
Genome position (GRCh38, 1-based): chr7:36,410,518, A>G. VCF-style: chr7-36410518-A-G. GRCh37 (hg19) VCF-style: chr7-36450127-A-G.
Other names: c.1101A>G, p.Gly367= (NM_001284301.3, NM_001284302.3).
Identifiers: ClinVar variation 746021 (VCV000746021.12), dbSNP rs141441175, ClinGen allele CA4219512.

ClinVar aggregate classification (germline): Likely benign. Review status: criteria provided, multiple submitters, no conflicts (2 of 4 stars). 3 submissions from 3 submitters: Likely benign (2). 1 of the submissions does not count toward it. Last evaluated 2025-10-20.

Conditions:
ANLN-related disorder. Also called: ANLN-related condition.

Allele frequency attached by ClinVar (database versions not stated): gnomAD 0.00011; gnomAD exomes 0.00011 and 0.00014; ExAC 0.00012; TOPMed 0.00013.

Submissions (3):

Labcorp Genetics (formerly Invitae), Labcorp
Classification: Likely benign. Last evaluated: 2025-10-20. Review status: criteria provided, single submitter. Criteria: Invitae Variant Classification Sherloc (09022015). Collection method: clinical testing. Allele origin: germline.

Blueprint Genetics
Classification: Likely benign. Last evaluated: 2024-11-05. Review status: criteria provided, single submitter. Criteria: ACMG Guidelines, 2015. Collection method: clinical testing. Allele origin: germline.

PreventionGenetics, part of Exact Sciences
Classification: Likely benign for ANLN-related condition. Last evaluated: 2019-08-30. Review status: no assertion criteria provided. Collection method: clinical testing. Allele origin: germline. Not counted in ClinVar's aggregate classification.
Comment: This variant is classified as likely benign based on ACMG/AMP sequence variant interpretation guidelines (Richards et al. 2015 PMID: 25741868, with internal and published modifications).